The following is an entry in ClinVar:

NM_000545.8(HNF1A):c.98C>G (p.Pro33Arg)

Gene: HNF1A (HNF1 homeobox A; plus strand). Cytogenetic location: 12q24.31.
Variant type: single nucleotide variant.
Coding change: c.98C>G on transcript NM_000545.8 (MANE Select); coding-DNA position 98, C replaced by G.
Protein change: p.Pro33Arg; replaces proline 33 with arginine.
Molecular consequence: missense variant.
Genome position (GRCh38, 1-based): chr12:120,978,866, C>G. VCF-style: chr12-120978866-C-G. GRCh37 (hg19) VCF-style: chr12-121416669-C-G.
Other names: NM_001306179.2:c.98C>G; c.98C>G, p.Pro33Arg (NM_001306179.2); short protein forms P33R.
Identifiers: ClinVar variation 1687071 (VCV001687071.4), dbSNP rs1001854457, ClinGen allele CA386952842.
Genomic context (GRCh38, chr12:120,978,866, plus strand): 5'-TGGCGGCCCTGCTCGAGTCAGGGCTGAGCAAAGAGGCACTGATCCAGGCACTGGGTGAGC[C>G]GGGGCCCTACCTCCTGGCTGGAGAAGGCCCCCTGGACAAGGGGGAGTCCTGCGGCGGCGG-3'
Protein context (NP_000536.6, residues 23-43): KEALIQALGE[Pro33Arg]GPYLLAGEGP

ClinVar aggregate classification (germline): Uncertain significance (3 of 4 stars; one submission).

Conditions:
Monogenic diabetes. Identifiers: Orphanet 183625, MedGen C3888631, MONDO:0015967.

Allele frequency attached by ClinVar (database versions not stated): gnomAD exomes below 0.00001.
gnomAD v4.1: 1 of 1,613,362 alleles (0.000062%); highest among the groups gnomAD compares: East Asian, 0.0022%; no homozygotes.

Submission:

ClinGen Monogenic Diabetes Variant Curation Expert Panel
Classification: Uncertain significance for Monogenic diabetes. Last evaluated: 2025-07-24. Review status: reviewed by expert panel. Criteria: ClinGen Diabetes ACMG Specifications HNF1A V3.0.0. Collection method: curation. Allele origin: germline. Inheritance: Autosomal dominant inheritance.
Comment: The c.98C>G variant in the HNF1 homeobox A gene, HNF1A, causes an amino acid change of proline to arginine at codon 33 (p.(Pro33Arg)) of NM_000545.8. This variant has an incomputable gnomAD v4.1.0 Grpmax filtering allele frequency due 1 copy in the East Asian population and 0 copies in any other subpopulation, thereby meeting the ClinGen MDEP threshold criteria for PM2_Supporting (PM2_Supporting). Another missense variant, c.98C>T (p.Pro33Leu), has been classified as likely pathogenic by the ClinGen MDEP (PM5_Supporting). This variant has a REVEL score of 0.524, which is between the ClinGen MDEP thresholds for BP4 and PP3, predicting neither a damaging nor benign impact on HNF1A function. In summary, c.98C>G meets the criteria to be classified as a variant of uncertain significance for monogenic diabetes. ACMG/AMP criteria applied, as specified by the ClinGen MDEP (specification version 3.0.0, approved 6/30/2025): PM5_Supporting, PM2_Supporting.